The following is an entry in ClinVar:

ClinVar aggregate classification (germline): Benign/Likely benign. Review status: criteria provided, multiple submitters, no conflicts (2 of 4 stars). 3 submissions from 3 submitters: Benign (1); Likely benign (2). Last evaluated 2025-09-18.

Conditions:
Hereditary cancer-predisposing syndrome. Also called: Neoplastic Syndromes, Hereditary; Tumor predisposition; Hereditary Cancer Syndrome; Hereditary neoplastic syndrome. Identifiers: Orphanet 140162, MedGen C0027672, MeSH D009386, MONDO:0015356.
Multiple endocrine neoplasia, type 2 (MEN2). Identifiers: Orphanet 653, MedGen C4048306, MONDO:0019003. Disease mechanism: gain of function.
Multiple endocrine neoplasia type 2A. Also called: MULTIPLE ENDOCRINE NEOPLASIA, TYPE IIA; PTC SYNDROME; SIPPLE SYNDROME; MEN 2A; MEN-2A syndrome; Pheochromocytoma and amyloid producing medullary thyroid carcinoma. Identifiers: Orphanet 247698, Orphanet 653, MedGen C0025268, MeSH D018813, MONDO:0008234, OMIM 171400.

Submissions (3):

Ambry Genetics
Classification: Likely benign for Hereditary cancer-predisposing syndrome. Last evaluated: 2025-09-18. Review status: criteria provided, single submitter. Criteria: Ambry Variant Classification Scheme 2023. Collection method: clinical testing. Allele origin: germline.

Myriad Genetics, Inc.
Classification: Benign for Multiple endocrine neoplasia type 2A. Last evaluated: 2025-02-25. Review status: criteria provided, single submitter. Criteria: Myriad Autosomal Dominant, Autosomal Recessive and X-Linked Classification Criteria (2023). Collection method: clinical testing. Allele origin: unknown.
Comment: This variant is considered benign. This variant is a silent/synonymous amino acid change and it is not expected to impact splicing.

Labcorp Genetics (formerly Invitae), Labcorp
Classification: Likely benign for Multiple endocrine neoplasia, type 2. Last evaluated: 2023-03-26. Review status: criteria provided, single submitter. Criteria: Invitae Variant Classification Sherloc (09022015). Collection method: clinical testing. Allele origin: germline.

NM_020975.6(RET):c.1578G>A (p.Leu526=)

Gene: RET (ret proto-oncogene; plus strand). Cytogenetic location: 10q11.21.
Variant type: single nucleotide variant.
Coding change: c.1578G>A on transcript NM_020975.6 (MANE Select); coding-DNA position 1578, G replaced by A.
Protein change: p.Leu526=; no amino-acid change (leucine 526 retained).
Molecular consequence: synonymous variant.
Genome position (GRCh38, 1-based): chr10:43,112,154, G>A. VCF-style: chr10-43112154-G-A. GRCh37 (hg19) VCF-style: chr10-43607602-G-A.
Other names: c.1578G>A, p.Leu526= (NM_000323.2, NM_001406743.1, NM_001406744.1 and 6 more transcripts); c.816G>A, p.Leu272= (NM_001355216.2); c.1449G>A, p.Leu483= (NM_001406761.1, NM_001406762.1, NM_001406764.1 and 1 more transcripts); c.1290G>A, p.Leu430= (NM_001406766.1, NM_001406767.1, NM_001406770.1); c.1182G>A, p.Leu394= (NM_001406769.1, NM_001406772.1); c.1140G>A, p.Leu380= (NM_001406771.1, NM_001406773.1); c.1053G>A, p.Leu351= (NM_001406774.1); c.852G>A, p.Leu284= (NM_001406775.1, NM_001406776.1, NM_001406777.1 and 1 more transcripts); and 5 more.
Identifiers: ClinVar variation 2778316 (VCV002778316.5), dbSNP rs2132798902, ClinGen allele CA469027635.